The following is an entry in ClinVar:

NM_003738.5(PTCH2):c.3382C>T (p.Pro1128Ser)

Gene: PTCH2 (patched 2; minus strand). Cytogenetic location: 1p34.1.
Variant type: single nucleotide variant.
Coding change: c.3382C>T on transcript NM_003738.5 (MANE Select); coding-DNA position 3382, C replaced by T.
Protein change: p.Pro1128Ser; replaces proline 1128 with serine.
Molecular consequence: missense variant.
Genome position (GRCh38, 1-based): chr1:44,822,645, G>A on the plus strand (C>T on the coding strand, the complement: PTCH2 is on the minus strand). VCF-style: chr1-44822645-G-A. GRCh37 (hg19) VCF-style: chr1-45288317-G-A.
Other names: c.3382C>T, p.Pro1128Ser (NM_001166292.2); short protein forms P1128S.
Identifiers: ClinVar variation 2164360 (VCV002164360.4), dbSNP rs1244441133, ClinGen allele CA340105723.

ClinVar aggregate classification (germline): Uncertain significance (1 of 4 stars; one submission).

Conditions:
Gorlin syndrome. Also called: Basal cell nevus syndrome; Nevoid Basal Cell Carcinoma Syndrome. Identifiers: Orphanet 377, MedGen C0004779, MONDO:0007187.

Allele frequency attached by ClinVar (database versions not stated): gnomAD exomes below 0.00001; TOPMed 0.00001.

Submission:

Labcorp Genetics (formerly Invitae), Labcorp
Classification: Uncertain significance for Gorlin syndrome. Last evaluated: 2022-05-12. Review status: criteria provided, single submitter. Criteria: Invitae Variant Classification Sherloc (09022015). Collection method: clinical testing. Allele origin: germline.
Comment: This sequence change replaces proline, which is neutral and non-polar, with serine, which is neutral and polar, at codon 1128 of the PTCH2 protein (p.Pro1128Ser). This variant is not present in population databases (gnomAD no frequency). This variant has not been reported in the literature in individuals affected with PTCH2-related conditions. Algorithms developed to predict the effect of missense changes on protein structure and function output the following: SIFT: "Tolerated"; PolyPhen-2: "Benign"; Align-GVGD: "Class C0". The serine amino acid residue is found in multiple mammalian species, which suggests that this missense change does not adversely affect protein function. In summary, the available evidence is currently insufficient to determine the role of this variant in disease. Therefore, it has been classified as a Variant of Uncertain Significance.